The following is an entry in ClinVar:

ClinVar aggregate classification (germline): Conflicting classifications of pathogenicity. Review status: criteria provided, conflicting classifications (1 of 4 stars). 6 submissions from 6 submitters: Uncertain significance (3); Likely benign (3). Last evaluated 2025-12-20.

Conditions:
Inborn genetic diseases. Identifiers: MedGen C0950123, MeSH D030342.
Wolfram syndrome 1 (WFS1). Identifiers: Orphanet 3463, MedGen C4551693, MONDO:0009101, OMIM 222300.

Allele frequency attached by ClinVar (database versions not stated): gnomAD 0.00001; gnomAD exomes 0.00001; TOPMed 0.00002.
gnomAD v4.1: 12 of 1,575,320 alleles (0.00076%); highest among the groups gnomAD compares: Non-Finnish European, 0.001%; no homozygotes.

Submissions (6):

Labcorp Genetics (formerly Invitae), Labcorp
Classification: Uncertain significance. Last evaluated: 2025-12-20. Review status: criteria provided, single submitter. Criteria: Invitae Variant Classification Sherloc (09022015). Collection method: clinical testing. Allele origin: germline.
Comment: This sequence change replaces alanine, which is neutral and non-polar, with valine, which is neutral and non-polar, at codon 48 of the WFS1 protein (p.Ala48Val). The frequency data for this variant in the population databases is considered unreliable, as metrics indicate poor data quality at this position in the gnomAD database. This variant has not been reported in the literature in individuals affected with WFS1-related conditions. ClinVar contains an entry for this variant (Variation ID: 45435). Invitae Evidence Modeling of protein sequence and biophysical properties (such as structural, functional, and spatial information, amino acid conservation, physicochemical variation, residue mobility, and thermodynamic stability) indicates that this missense variant is not expected to disrupt WFS1 protein function with a negative predictive value of 95%. In summary, the available evidence is currently insufficient to determine the role of this variant in disease. Therefore, it has been classified as a Variant of Uncertain Significance.

Ambry Genetics
Classification: Likely benign for Inborn genetic diseases. Last evaluated: 2025-06-24. Review status: criteria provided, single submitter. Criteria: Ambry Variant Classification Scheme 2023. Collection method: clinical testing. Allele origin: germline.

CeGaT Center for Human Genetics Tuebingen
Classification: Uncertain significance. Last evaluated: 2025-02-01. Review status: criteria provided, single submitter. Criteria: CeGaT Center For Human Genetics Tuebingen Variant Classification Criteria Version 2. Collection method: clinical testing. Allele origin: germline. Affected: yes. Observed: 1 variant allele.
Comment: WFS1: PM2

GeneDx
Classification: Uncertain significance. Last evaluated: 2022-01-11. Review status: criteria provided, single submitter. Criteria: GeneDx Variant Classification Process June 2021. Collection method: clinical testing. Allele origin: germline. Affected: yes.
Comment: In silico analysis supports that this missense variant does not alter protein structure/function; Has not been previously published as pathogenic or benign to our knowledge

Laboratory for Molecular Medicine, Mass General Brigham Personalized Medicine
Classification: Likely benign. Last evaluated: 2012-11-20. Review status: criteria provided, single submitter. Criteria: LMM Criteria. Collection method: clinical testing. Allele origin: germline. Observed: 1 variant allele.
Comment: Ala48Val in exon 2 of WFS1: This variant is not expected to have clinical signif icance due to a lack of conservation across species at both the nucleotide and a mino acid level. Of note, rabbit, dolphin, cow, and horse have a valine (Val) a t this position. Therefore, this variant is likely benign.

Clinical Genomics, Uppaluri K&H Personalized Medicine Clinic
Classification: Likely benign for Wolfram syndrome 1. Review status: criteria provided, single submitter. Criteria: K & H Uppaluri Personalized Medicine Clinic Variant Classification & Assertion Criteria_Updated V.1. Collection method: research. Allele origin: unknown. Inheritance: Autosomal recessive inheritance.
Comment: Potent mutations in WFS1 gene are associated with Wolfram's syndrome, an autosomal recessive condition, which cause diabetes mellitus, diabetes insipidus, deafness and optic atrophy. However no sufficient evidence is found to ascertain the role of this particular variant rs397517195 in Wolfram's syndrome yet.

Literature cited by the submitters: PubMed 20738327 (cited by Clinical Genomics, Uppaluri K&H Personalized Medicine Clinic); PubMed 33879153 (cited by Clinical Genomics, Uppaluri K&H Personalized Medicine Clinic); PubMed 12955714 (cited by Clinical Genomics, Uppaluri K&H Personalized Medicine Clinic); PubMed 18060660 (cited by Clinical Genomics, Uppaluri K&H Personalized Medicine Clinic); PubMed 20301750 (cited by Clinical Genomics, Uppaluri K&H Personalized Medicine Clinic); PubMed 17603484 (cited by Clinical Genomics, Uppaluri K&H Personalized Medicine Clinic).

NM_006005.3(WFS1):c.143C>T (p.Ala48Val)

Gene: WFS1 (wolframin ER transmembrane glycoprotein; plus strand). Cytogenetic location: 4p16.1.
Variant type: single nucleotide variant.
Coding change: c.143C>T on transcript NM_006005.3 (MANE Select); coding-DNA position 143, C replaced by T.
Protein change: p.Ala48Val; replaces alanine 48 with valine.
Molecular consequence: missense variant.
Genome position (GRCh38, 1-based): chr4:6,277,598, C>T. VCF-style: chr4-6277598-C-T. GRCh37 (hg19) VCF-style: chr4-6279325-C-T.
Other names: c.143C>T, p.Ala48Val (NM_001145853.1); short protein forms A48V.
Identifiers: ClinVar variation 45435 (VCV000045435.24), dbSNP rs397517195, ClinGen allele CA136334.